The following is an entry in ClinVar:

NM_001127222.2(CACNA1A):c.578C>T (p.Thr193Met)

Gene: CACNA1A (calcium voltage-gated channel subunit alpha1 A; minus strand). Cytogenetic location: 19p13.13.
Variant type: single nucleotide variant.
Coding change: c.578C>T on transcript NM_001127222.2 (MANE Select); coding-DNA position 578, C replaced by T.
Protein change: p.Thr193Met; replaces threonine 193 with methionine.
Molecular consequence: missense variant.
Genome position (GRCh38, 1-based): chr19:13,371,741, G>A on the plus strand (C>T on the coding strand, the complement: CACNA1A is on the minus strand). VCF-style: chr19-13371741-G-A. GRCh37 (hg19) VCF-style: chr19-13482555-G-A.
Other names: c.578C>T, p.Thr193Met (NM_000068.4, NM_001127221.2, NM_001174080.2 and 1 more transcripts); short protein forms T193M.
Identifiers: ClinVar variation 446934 (VCV000446934.6), dbSNP rs1365721398, ClinGen allele CA404351044.

ClinVar aggregate classification (germline): Uncertain significance. Review status: criteria provided, multiple submitters, no conflicts (2 of 4 stars). 3 submissions from 3 submitters: Uncertain significance (3). Last evaluated 2024-04-24.

Conditions:
Episodic ataxia type 2 (EA2). Also called: ATAXIA, EPISODIC, WITH NYSTAGMUS; ATAXIA, FAMILIAL PAROXYSMAL; CEREBELLAR ATAXIA, PAROXYSMAL, ACETAZOLAMIDE-RESPONSIVE; CEREBELLOPATHY, HEREDITARY PAROXYSMAL; ACETAZOLAMIDE-RESPONSIVE HEREDITARY PAROXYSMAL CEREBELLAR ATAXIA; EPISODIC ATAXIA, NYSTAGMUS-ASSOCIATED. Identifiers: Orphanet 97, MedGen C1720416, MONDO:0007163, OMIM 108500.
Developmental and epileptic encephalopathy, 42 (DEE42A). Also called: Epileptic encephalopathy, early infantile, 42; DEVELOPMENTAL AND EPILEPTIC ENCEPHALOPATHY 42A; EPILEPTIC ENCEPHALOPATHY, EARLY INFANTILE, 42A. Identifiers: MedGen C4310716, MONDO:0014917, OMIM 617106.

Allele frequency attached by ClinVar (database versions not stated): gnomAD exomes below 0.00001; gnomAD 0.00001.
gnomAD v4.1: 2 of 1,579,952 alleles (0.00013%); highest among the groups gnomAD compares: African/African-American, 0.0013%; no homozygotes.

Submissions (3):

Labcorp Genetics (formerly Invitae), Labcorp
Classification: Uncertain significance for Developmental and epileptic encephalopathy, 42; Episodic ataxia type 2. Last evaluated: 2024-04-24. Review status: criteria provided, single submitter. Criteria: Invitae Variant Classification Sherloc (09022015). Collection method: clinical testing. Allele origin: germline.
Comment: This sequence change replaces threonine, which is neutral and polar, with methionine, which is neutral and non-polar, at codon 193 of the CACNA1A protein (p.Thr193Met). This variant is present in population databases (no rsID available, gnomAD 0.01%). This variant has not been reported in the literature in individuals affected with CACNA1A-related conditions. ClinVar contains an entry for this variant (Variation ID: 446934). Advanced modeling of protein sequence and biophysical properties (such as structural, functional, and spatial information, amino acid conservation, physicochemical variation, residue mobility, and thermodynamic stability) performed at Invitae indicates that this missense variant is expected to disrupt CACNA1A protein function with a positive predictive value of 95%. In summary, the available evidence is currently insufficient to determine the role of this variant in disease. Therefore, it has been classified as a Variant of Uncertain Significance.

GeneDx
Classification: Uncertain significance. Last evaluated: 2019-12-26. Review status: criteria provided, single submitter. Criteria: GeneDx Variant Classification Process June 2021. Collection method: clinical testing. Allele origin: germline. Affected: yes.
Comment: Not observed at a significant frequency in large population cohorts (Lek et al., 2016); Missense variants in nearby residues reported in the Human Gene Mutation Database (Stenson et al., 2014); In silico analysis, which includes protein predictors and evolutionary conservation, supports a deleterious effect; Has not been previously published as pathogenic or benign to our knowledge

Athena Diagnostics
Classification: Uncertain significance. Last evaluated: 2017-01-27. Review status: criteria provided, single submitter. Criteria: Athena Diagnostics Criteria. Collection method: clinical testing. Allele origin: germline.